The following is an entry in ClinVar:

ClinVar aggregate classification (germline): Uncertain significance. Review status: criteria provided, multiple submitters, no conflicts (2 of 4 stars). 4 submissions from 4 submitters: Uncertain significance (4). Last evaluated 2025-01-27.

Conditions:
Inborn genetic diseases. Identifiers: MedGen C0950123, MeSH D030342.
Macrocephaly-developmental delay syndrome (MRT41). Also called: INTELLECTUAL DEVELOPMENTAL DISORDER, AUTOSOMAL RECESSIVE 41. Identifiers: Orphanet 397612, MedGen C3810225, MONDO:0014289, OMIM 615637.

Allele frequency attached by ClinVar (database versions not stated): gnomAD exomes 0.00007 and 0.00010; ExAC 0.00010; gnomAD 0.00013 and 0.00015; TOPMed 0.00014; ESP Exome Variant Server 0.00016.
gnomAD v4.1: 157 of 1,581,950 alleles (0.0099%); highest among the groups gnomAD compares: Non-Finnish European, 0.012%; no homozygotes.

Submissions (4):

Ambry Genetics
Classification: Uncertain significance for Inborn genetic diseases. Last evaluated: 2025-01-27. Review status: criteria provided, single submitter. Criteria: Ambry Variant Classification Scheme 2023. Collection method: clinical testing. Allele origin: germline.

Labcorp Genetics (formerly Invitae), Labcorp
Classification: Uncertain significance for Macrocephaly-developmental delay syndrome. Last evaluated: 2022-12-06. Review status: criteria provided, single submitter. Criteria: Invitae Variant Classification Sherloc (09022015). Collection method: clinical testing. Allele origin: germline.
Comment: In summary, the available evidence is currently insufficient to determine the role of this variant in disease. Therefore, it has been classified as a Variant of Uncertain Significance. Advanced modeling of protein sequence and biophysical properties (such as structural, functional, and spatial information, amino acid conservation, physicochemical variation, residue mobility, and thermodynamic stability) performed at Invitae indicates that this missense variant is not expected to disrupt KPTN protein function. ClinVar contains an entry for this variant (Variation ID: 435680). This variant has not been reported in the literature in individuals affected with KPTN-related conditions. This variant is present in population databases (rs377316863, gnomAD 0.02%). This sequence change replaces glycine, which is neutral and non-polar, with arginine, which is basic and polar, at codon 154 of the KPTN protein (p.Gly154Arg).

Genetic Services Laboratory, University of Chicago
Classification: Uncertain significance. Last evaluated: 2017-04-13. Review status: criteria provided, single submitter. Criteria: ACMG Guidelines, 2015. Collection method: clinical testing. Allele origin: germline. Affected: no.

Mayo Clinic Laboratories, Mayo Clinic
Classification: Uncertain significance. Last evaluated: 2017-03-03. Review status: criteria provided, single submitter. Criteria: ACMG Guidelines, 2015. Collection method: clinical testing. Allele origin: paternal.

NM_007059.4(KPTN):c.460G>A (p.Gly154Arg)

Gene: KPTN (kaptin, actin binding protein; minus strand). Cytogenetic location: 19q13.32.
Variant type: single nucleotide variant.
Coding change: c.460G>A on transcript NM_007059.4 (MANE Select); coding-DNA position 460, G replaced by A.
Protein change: p.Gly154Arg; replaces glycine 154 with arginine.
Molecular consequence: missense variant. On other transcripts: non-coding transcript variant (1).
Genome position (GRCh38, 1-based): chr19:47,481,023, C>T on the plus strand (G>A on the coding strand, the complement: KPTN is on the minus strand). VCF-style: chr19-47481023-C-T. GRCh37 (hg19) VCF-style: chr19-47984280-C-T.
Other names: c.292G>A, p.Gly98Arg (NM_001291296.2); short protein forms G154R, G98R.
Identifiers: ClinVar variation 435680 (VCV000435680.19), dbSNP rs377316863, ClinGen allele CA9540434.